The following is an entry in ClinVar:

ClinVar aggregate classification (germline): Pathogenic (1 of 4 stars; one submission).

Conditions:
Sphingolipid activator protein 1 deficiency. Also called: METACHROMATIC LEUKODYSTROPHY DUE TO CEREBROSIDE SULFATASE ACTIVATOR DEFICIENCY; Saposin B Deficiency; Metachromatic leukodystrophy due to saposin B deficiency. Identifiers: Orphanet 512, MedGen C0268262, MONDO:0009590, OMIM 249900.

Submission:

Labcorp Genetics (formerly Invitae), Labcorp
Classification: Pathogenic for Sphingolipid activator protein 1 deficiency. Last evaluated: 2023-11-07. Review status: criteria provided, single submitter. Criteria: Invitae Variant Classification Sherloc (09022015). Collection method: clinical testing. Allele origin: germline.
Comment: This sequence change creates a premature translational stop signal (p.Lys262Argfs*12) in the PSAP gene. It is expected to result in an absent or disrupted protein product. Loss-of-function variants in PSAP are known to be pathogenic (PMID: 8554069, 11309366, 17616409, 19267410, 30632081). This variant is not present in population databases (gnomAD no frequency). This variant has not been reported in the literature in individuals affected with PSAP-related conditions. For these reasons, this variant has been classified as Pathogenic.

Literature cited by the submitters: PubMed 8554069; PubMed 11309366; PubMed 17616409; PubMed 19267410; PubMed 30632081.

NM_002778.4(PSAP):c.785_788del (p.Lys262fs)

Gene: PSAP (prosaposin; minus strand). Cytogenetic location: 10q22.1.
Variant type: Deletion.
Coding change: c.785_788del on transcript NM_002778.4 (MANE Select); coding-DNA positions 785 to 788, 4 bases deleted (AGGA; older notation c.785_788delAGGA).
Protein change: p.Lys262fs; shifts the reading frame from lysine 262.
Molecular consequence: frameshift variant.
Genome position (GRCh38, 1-based): chr10:71,821,997-71,822,000, TCCT deleted on the plus strand (AGGA on the coding strand, the reverse complement: PSAP is on the minus strand); deleting any 4 consecutive bases within chr10:71,821,997-71,822,001 gives the same sequence; the c. name uses the placement nearest the transcript's 3' end. VCF-style (leftmost placement, unchanged base first): chr10-71821996-CTCCT-C. GRCh37 (hg19) VCF-style: chr10-73581753-CTCCT-C.
Other names: c.794_797del, p.Lys265fs (NM_001042465.3); c.791_794del, p.Lys264fs (NM_001042466.3); short protein forms K262fs, K265fs, K264fs.
Identifiers: ClinVar variation 2694009 (VCV002694009.3), dbSNP rs2494506149, ClinGen allele CA2697558420.
Genomic context (GRCh38, chr10:71,821,996, plus strand): 5'-GACCAGAGTCTGCATGGGCATCTCTTTCACCTCATCACAGAACCCAACCAGCGCACAGAT[CTCCT>C]TGGGTTGCTGAAGAGAGCACAGAACAACCAGTCAGCAGCAAGCCTACGCCCACTGCTCCT-3'